The following is an entry in ClinVar:

NM_000111.3(SLC26A3):c.1740_1752del (p.Leu581fs)

Gene: SLC26A3 (solute carrier family 26 member 3; minus strand). Cytogenetic location: 7q22.3.
Variant type: Deletion.
Coding change: c.1740_1752del on transcript NM_000111.3 (MANE Select); coding-DNA positions 1740 to 1752, 13 bases deleted (ACTGCAGAAGCAA).
Protein change: p.Leu581fs; shifts the reading frame from leucine 581.
Molecular consequence: frameshift variant.
Genome position (GRCh38, 1-based): chr7:107,774,798-107,774,810, TTGCTTCTGCAGT deleted on the plus strand (ACTGCAGAAGCAA on the coding strand, the reverse complement: SLC26A3 is on the minus strand); deleting any 13 consecutive bases within chr7:107,774,798-107,774,812 gives the same sequence; the c. name uses the placement nearest the transcript's 3' end. VCF-style (leftmost placement, unchanged base first): chr7-107774797-CTTGCTTCTGCAGT-C. GRCh37 (hg19) VCF-style: chr7-107415242-CTTGCTTCTGCAGT-C.
Other names: short protein forms L581fs.
Identifiers: ClinVar variation 2816311 (VCV002816311.3), dbSNP rs2535454664, ClinGen allele CA2739278840.

ClinVar aggregate classification (germline): Pathogenic (1 of 4 stars; one submission).

Submission:

Labcorp Genetics (formerly Invitae), Labcorp
Classification: Pathogenic. Last evaluated: 2022-11-24. Review status: criteria provided, single submitter. Criteria: Invitae Variant Classification Sherloc (09022015). Collection method: clinical testing. Allele origin: germline.
Comment: This variant has not been reported in the literature in individuals affected with SLC26A3-related conditions. For these reasons, this variant has been classified as Pathogenic. This variant is not present in population databases (gnomAD no frequency). This sequence change creates a premature translational stop signal (p.Leu581Alafs*5) in the SLC26A3 gene. It is expected to result in an absent or disrupted protein product. Loss-of-function variants in SLC26A3 are known to be pathogenic (PMID: 9718329, 21394828).

Literature cited by the submitters: PubMed 9718329; PubMed 21394828.